The following is an entry in ClinVar:

NM_015335.5(MED13L):c.769G>A (p.Asp257Asn)

Gene: MED13L (mediator complex subunit 13L; minus strand). Cytogenetic location: 12q24.21.
Variant type: single nucleotide variant.
Coding change: c.769G>A on transcript NM_015335.5 (MANE Select); coding-DNA position 769, G replaced by A.
Protein change: p.Asp257Asn; replaces aspartic acid 257 with asparagine.
Molecular consequence: missense variant.
Genome position (GRCh38, 1-based): chr12:116,019,829, C>T on the plus strand (G>A on the coding strand, the complement: MED13L is on the minus strand). VCF-style: chr12-116019829-C-T. GRCh37 (hg19) VCF-style: chr12-116457634-C-T.
Other names: short protein forms D257N.
Identifiers: ClinVar variation 2506859 (VCV002506859.1), dbSNP rs2499945750, ClinGen allele CA386870926.

ClinVar aggregate classification (germline): Uncertain significance (1 of 4 stars; one submission).

Submission:

GeneDx
Classification: Uncertain significance. Last evaluated: 2022-12-23. Review status: criteria provided, single submitter. Criteria: GeneDx Variant Classification Process June 2021. Collection method: clinical testing. Allele origin: germline. Affected: yes.
Comment: Not observed at significant frequency in large population cohorts (gnomAD); In silico analysis supports that this missense variant does not alter protein structure/function; Has not been previously published as pathogenic or benign to our knowledge